The following is an entry in ClinVar:

NM_014491.4(FOXP2):c.1599G>A (p.Trp533Ter)

Gene: FOXP2 (forkhead box P2; plus strand). Cytogenetic location: 7q31.1.
Variant type: single nucleotide variant.
Coding change: c.1599G>A on transcript NM_014491.4 (MANE Select); coding-DNA position 1599, G replaced by A.
Protein change: p.Trp533Ter; replaces tryptophan 533 with a stop codon.
Molecular consequence: nonsense. On other transcripts: non-coding transcript variant (2).
Genome position (GRCh38, 1-based): chr7:114,659,625, G>A. VCF-style: chr7-114659625-G-A. GRCh37 (hg19) VCF-style: chr7-114299680-G-A.
Other names: c.1596G>A, p.Trp532Ter (NM_001172766.3); c.1674G>A, p.Trp558Ter (NM_148898.4); c.1650G>A, p.Trp550Ter (NM_148900.4); short protein forms W532*, W533*, W550*, W558*.
Identifiers: ClinVar variation 3342847 (VCV003342847.1).

ClinVar aggregate classification (germline): Pathogenic (1 of 4 stars; one submission).

Submission:

GeneDx
Classification: Pathogenic. Last evaluated: 2023-12-14. Review status: criteria provided, single submitter. Criteria: GeneDx Variant Classification Process June 2021. Collection method: clinical testing. Allele origin: germline. Affected: yes.
Comment: Reported in a patient with autism spectrum disorder, intellectual disability, and psychosis in published literature (PMID: 35813072); Nonsense variant predicted to result in protein truncation or nonsense mediated decay in a gene for which loss of function is a known mechanism of disease; Not observed at significant frequency in large population cohorts (gnomAD); This variant is associated with the following publications: (PMID: 35813072)